The following is an entry in ClinVar:

NM_020975.6(RET):c.1921G>A (p.Ala641Thr)

Gene: RET (ret proto-oncogene; plus strand). Cytogenetic location: 10q11.21.
Variant type: single nucleotide variant.
Coding change: c.1921G>A on transcript NM_020975.6 (MANE Select); coding-DNA position 1921, G replaced by A.
Protein change: p.Ala641Thr; replaces alanine 641 with threonine.
Molecular consequence: missense variant.
Genome position (GRCh38, 1-based): chr10:43,114,521, G>A. VCF-style: chr10-43114521-G-A. GRCh37 (hg19) VCF-style: chr10-43609969-G-A.
Other names: c.1921G>A, p.Ala641Thr (NM_000323.2, NM_001406743.1, NM_001406744.1 and 4 more transcripts); c.1159G>A, p.Ala387Thr (NM_001355216.2); c.1792G>A, p.Ala598Thr (NM_001406761.1, NM_001406762.1, NM_001406764.1); c.1633G>A, p.Ala545Thr (NM_001406766.1, NM_001406767.1, NM_001406770.1); c.1525G>A, p.Ala509Thr (NM_001406769.1, NM_001406772.1); c.1483G>A, p.Ala495Thr (NM_001406771.1, NM_001406773.1); c.1396G>A, p.Ala466Thr (NM_001406774.1); c.1195G>A, p.Ala399Thr (NM_001406775.1, NM_001406776.1, NM_001406777.1 and 1 more transcripts); and 8 more; short protein forms A641T, A387T, A246T, A545T, A206T, A311T, A342T, A509T.
Identifiers: ClinVar variation 241342 (VCV000241342.24), dbSNP rs377767411, ClinGen allele CA036607.
Genomic context (GRCh38, chr10:43,114,521, plus strand): 5'-ACACCACCCCCACCCACAGATCCACTGTGCGACGAGCTGTGCCGCACGGTGATCGCAGCC[G>A]CTGTCCTCTTCTCCTTCATCGTCTCGGTGCTGCTGTCTGCCTTCTGCATCCACTGCTACC-3'
Protein context (NP_066124.1, residues 631-651): DELCRTVIAA[Ala641Thr]VLFSFIVSVL

ClinVar aggregate classification (germline): Conflicting classifications of pathogenicity. Review status: criteria provided, conflicting classifications (1 of 4 stars). 11 submissions from 10 submitters: Uncertain significance (8); Likely benign (2). 1 of the submissions does not count toward it. Last evaluated 2026-02-02.

Conditions:
Pheochromocytoma. Also called: MAX-Related Hereditary Paraganglioma-Pheochromocytoma Syndrome. Identifiers: Orphanet 29072, MedGen C0031511, MONDO:0008233, OMIM 171300, HP:0002666.
Hirschsprung disease, susceptibility to, 1 (HSCR1). Also called: RET-Related Hirschsprung Disease. Identifiers: Orphanet 388, MedGen C3888239, MONDO:0007723, OMIM 142623.
Familial medullary thyroid carcinoma (MTC). Also called: Thyroid cancer, familial medullary; MTC, familial; Familial Medullary Thyroid Carcinoma (FMTC). Identifiers: Orphanet 653, Orphanet 99361, MedGen C1833921, MONDO:0007958, OMIM 155240.
Multiple endocrine neoplasia type 2B. Also called: WAGENMANN-FROBOESE SYNDROME; MULTIPLE ENDOCRINE NEOPLASIA, TYPE III; MEN 2B; MUCOSAL NEUROMA SYNDROME; MULTIPLE ENDOCRINE NEOPLASIA, TYPE IIB; MEN IIB. Identifiers: Orphanet 247709, Orphanet 653, MedGen C0025269, MeSH D018814, MONDO:0008082, OMIM 162300.
Multiple endocrine neoplasia type 2A. Also called: MULTIPLE ENDOCRINE NEOPLASIA, TYPE IIA; PTC SYNDROME; SIPPLE SYNDROME; MEN 2A; MEN-2A syndrome; Pheochromocytoma and amyloid producing medullary thyroid carcinoma. Identifiers: Orphanet 247698, Orphanet 653, MedGen C0025268, MeSH D018813, MONDO:0008234, OMIM 171400.
Hereditary cancer-predisposing syndrome. Also called: Tumor predisposition; Hereditary neoplastic syndrome; Neoplastic Syndromes, Hereditary; Hereditary Cancer Syndrome. Identifiers: Orphanet 140162, MedGen C0027672, MeSH D009386, MONDO:0015356.
Multiple endocrine neoplasia, type 2 (MEN2). Identifiers: Orphanet 653, MedGen C4048306, MONDO:0019003. Disease mechanism: gain of function.

Allele frequency attached by ClinVar (database versions not stated): ExAC 0.00004; gnomAD exomes 0.00004; gnomAD 0.00001; TOPMed 0.00003.
gnomAD v4.1: 32 of 1,609,104 alleles (0.002%); highest among the groups gnomAD compares: East Asian, 0.022%; no homozygotes.

Submissions (11):

Labcorp Genetics (formerly Invitae), Labcorp
Classification: Uncertain significance for Multiple endocrine neoplasia, type 2. Last evaluated: 2026-02-02. Review status: criteria provided, single submitter. Criteria: Invitae Variant Classification Sherloc (09022015). Collection method: clinical testing. Allele origin: germline.
Comment: This sequence change replaces alanine, which is neutral and non-polar, with threonine, which is neutral and polar, at codon 641 of the RET protein (p.Ala641Thr). This variant is present in population databases (rs377767411, gnomAD 0.01%). This variant has not been reported in the literature in individuals affected with RET-related conditions. ClinVar contains an entry for this variant (Variation ID: 241342). An algorithm developed to predict the effect of missense changes on protein structure and function (PolyPhen-2) suggests that this variant is likely to be tolerated. In summary, the available evidence is currently insufficient to determine the role of this variant in disease. Therefore, it has been classified as a Variant of Uncertain Significance.

Myriad Genetics, Inc.
Classification: Likely benign for Multiple endocrine neoplasia type 2A. Last evaluated: 2024-08-09. Review status: criteria provided, single submitter. Criteria: Myriad Autosomal Dominant, Autosomal Recessive and X-Linked Classification Criteria (2023). Collection method: clinical testing. Allele origin: unknown.
Comment: This variant is considered likely benign. This variant has been observed at a population frequency that is significantly greater than expected given the associated disease prevalence and penetrance.

All of Us Research Program, National Institutes of Health
Classification: Uncertain significance for Multiple endocrine neoplasia, type 2. Last evaluated: 2024-03-24. Review status: criteria provided, single submitter. Criteria: ACMG Guidelines, 2015. Collection method: clinical testing. Allele origin: germline. Inheritance: Autosomal dominant inheritance. Observed: 4 variant alleles, 4 heterozygotes.
Comment: This missense variant replaces alanine with threonine at codon 641 of the RET protein. Computational prediction is inconclusive regarding the impact of this variant on protein structure and function (internally defined REVEL score threshold 0.5 < inconclusive < 0.7, PMID: 27666373). Functional study reported that this variant does not affect the oncogenic potential of RET in a mouse and an ex vivo cell culture model and does not activate RET kinase activity in vitro (PMID: 32293499). This variant has been reported in one individual each affected with medullary thyroid cancer without pheochromocytoma or hyperparathyroidism (doi: 10.4183/aeb.2015.189) or ovarian cancer (PMID: 32293499), respectively. This variant has been identified in 10/248620 chromosomes in the general population by the Genome Aggregation Database (gnomAD). The available evidence is insufficient to determine the role of this variant in disease conclusively. Therefore, this variant is classified as a Variant of Uncertain Significance.

This study involves interpretation of variants in research participants for the purpose of population health screening. Participant phenotype was not available at the time of variant classification. Additional details can be found in publication PMID: 35346344, PMCID: PMC8962531

Color Diagnostics, LLC DBA Color Health
Classification: Uncertain significance for Multiple endocrine neoplasia, type 2. Last evaluated: 2024-02-15. Review status: criteria provided, single submitter. Criteria: ACMG Guidelines, 2015. Collection method: clinical testing. Allele origin: germline.
Comment: This missense variant replaces alanine with threonine at codon 641 of the RET protein. Computational prediction is inconclusive regarding the impact of this variant on protein structure and function. Functional study reported that this variant does not affect the oncogenic potential of RET in a mouse and an ex vivo cell culture model and does not activate RET kinase activity in vitro (PMID: 32293499). This variant has been reported in one individual each affected with medullary thyroid cancer without pheochromocytoma or hyperparathyroidism (doi: 10.4183/aeb.2015.189) or ovarian cancer (PMID: 32293499), respectively. This variant has been identified in 10/248620 chromosomes in the general population by the Genome Aggregation Database (gnomAD). The available evidence is insufficient to determine the role of this variant in disease conclusively. Therefore, this variant is classified as a Variant of Uncertain Significance.

Baylor Genetics
Classification: Uncertain significance for Hirschsprung disease, susceptibility to, 1. Last evaluated: 2023-09-28. Review status: criteria provided, single submitter. Criteria: ACMG Guidelines, 2015. Collection method: clinical testing. Allele origin: unknown.

GeneDx
Classification: Uncertain significance. Last evaluated: 2023-07-27. Review status: criteria provided, single submitter. Criteria: GeneDx Variant Classification Process June 2021. Collection method: clinical testing. Allele origin: germline. Affected: yes.
Comment: In silico analysis supports that this missense variant does not alter protein structure/function; Observed in individuals with congenital anomalies of the kidney and urinary tract (Ahn et al., 2020); Published functional studies demonstrate no damaging effect: RET protein phosphorylation and cell viability similar to wildtype (Guan et al., 2020); This variant is associated with the following publications: (PMID: 29338689, 17934909, 25900796, 32164334, 32293499, 14633923, 29192238)

Fulgent Genetics
Classification: Uncertain significance for Hirschsprung disease, susceptibility to, 1; Familial medullary thyroid carcinoma; Multiple endocrine neoplasia type 2B; Pheochromocytoma; Multiple endocrine neoplasia type 2A. Last evaluated: 2022-04-20. Review status: criteria provided, single submitter. Criteria: ACMG Guidelines, 2015. Collection method: clinical testing. Allele origin: unknown.

St. Jude Molecular Pathology, St. Jude Children's Research Hospital
Classification: Uncertain significance for Multiple endocrine neoplasia type 2A. Last evaluated: 2022-01-06. Review status: criteria provided, single submitter. Criteria: St. Jude Assertion Criteria 2020. Collection method: clinical testing. Allele origin: germline.
Comment: The RET c.1921G>A (p.Ala641Thr) missense change has a maximum subpopulation frequency of 0.013% in gnomAD v2.1.1. The in silico tool REVEL predicts a deleterious effect on protein function, however functional studies performed on cell lines suggest that this variant does not activate RET kinase (PMID: 32293499). This variant has been reported in an individual with bilateral renal dysplasia, horseshoe kidney, and left vesicoureteral reflux (PMID: 32164334). To our knowledge, this variant has not been reported in the literature in individuals with multiple endocrine neoplasia type IIA or type IIB. In summary, the evidence currently available is insufficient to determine the clinical significance of this variant. It has therefore been classified as of uncertain significance.

Ambry Genetics
Classification: Likely benign for Hereditary cancer-predisposing syndrome. Last evaluated: 2021-11-08. Review status: criteria provided, single submitter. Criteria: Ambry Variant Classification Scheme 2023. Collection method: clinical testing. Allele origin: germline.

Baylor Genetics
Classification: Uncertain significance for Familial medullary thyroid carcinoma. Last evaluated: 2020-02-23. Review status: criteria provided, single submitter. Criteria: ACMG Guidelines, 2015. Collection method: clinical testing. Allele origin: unknown. Affected: yes. Study: CSER-TexasKidsCanSeq.
Comment: This variant was determined to be of uncertain significance according to ACMG Guidelines, 2015 [PMID:25741868].

Counsyl
Classification: Uncertain significance for Multiple endocrine neoplasia type 2A. Last evaluated: 2016-12-13. Review status: no assertion criteria provided. Collection method: clinical testing. Allele origin: unknown. Not counted in ClinVar's aggregate classification.

Literature cited by the submitters: PubMed 32293499 (cited by 3 submitters); PubMed 29192238 (cited by Ambry Genetics); PubMed 32164334 (cited by Ambry Genetics).